The following is an entry in ClinVar:

ClinVar aggregate classification (germline): Conflicting classifications of pathogenicity. Review status: criteria provided, conflicting classifications (1 of 4 stars). 2 submissions from 2 submitters: Uncertain significance (1); Likely benign (1). Last evaluated 2025-01-29.

Conditions:
TRIM32-related disorder. Also called: TRIM32-related condition.

Allele frequency attached by ClinVar (database versions not stated): gnomAD 0.00001; TOPMed 0.00001.
gnomAD v4.1: 2 of 1,614,094 alleles (0.00012%); highest among the groups gnomAD compares: African/African-American, 0.0027%; no homozygotes.

Submissions (2):

PreventionGenetics, part of Exact Sciences
Classification: Likely benign for TRIM32-related condition. Last evaluated: 2025-01-29. Review status: criteria provided, single submitter. Criteria: ACMG Guidelines, 2015. Collection method: clinical testing. Allele origin: germline.
Comment: This variant is classified as likely benign based on ACMG/AMP sequence variant interpretation guidelines (Richards et al. 2015 PMID: 25741868, with internal and published modifications).

Eurofins Ntd Llc (ga)
Classification: Uncertain significance. Last evaluated: 2016-11-02. Review status: criteria provided, single submitter. Criteria: EGL Classification Definitions 2015. Collection method: clinical testing. Allele origin: germline. Observed: 1 variant allele, 1 heterozygote.

NM_012210.4(TRIM32):c.207C>T (p.Arg69=)

Genes: ASTN2 (astrotactin 2; minus strand), TRIM32 (tripartite motif containing 32; plus strand). Cytogenetic location: 9q33.1.
Variant type: single nucleotide variant.
Coding change: c.207C>T on transcript NM_012210.4 (MANE Select); coding-DNA position 207, C replaced by T.
Protein change: p.Arg69=; no amino-acid change (arginine 69 retained).
Molecular consequence: synonymous variant. On other transcripts: intron variant (3).
Genome position (GRCh38, 1-based): chr9:116,697,949, C>T. VCF-style: chr9-116697949-C-T. GRCh37 (hg19) VCF-style: chr9-119460228-C-T.
Other names: c.207C>T, p.Arg69= (NM_001099679.2, NM_001379048.1, NM_001379049.1 and 1 more transcripts); c.2653+27822G>A (NM_014010.5); c.2794+27822G>A (NM_001365069.1); c.2806+27822G>A (NM_001365068.1).
Identifiers: ClinVar variation 497898 (VCV000497898.6), dbSNP rs1554732629, ClinGen allele CA466915840.